The following is an entry in ClinVar:

ClinVar aggregate classification (germline): Uncertain significance. Review status: criteria provided, multiple submitters, no conflicts (2 of 4 stars). 2 submissions from 2 submitters: Uncertain significance (2). Last evaluated 2026-07-06.

Conditions:
DICER1-related tumor predisposition. Also called: DICER1-related pleuropulmonary blastoma cancer predisposition syndrome; DICER1 syndrome. Identifiers: Orphanet 284343, MedGen C3839822, MONDO:0100216.
Hereditary cancer-predisposing syndrome. Also called: Hereditary Cancer Syndrome; Tumor predisposition; Neoplastic Syndromes, Hereditary; Hereditary neoplastic syndrome. Identifiers: Orphanet 140162, MedGen C0027672, MeSH D009386, MONDO:0015356.

Allele frequency attached by ClinVar (database versions not stated): gnomAD exomes below 0.00001.
gnomAD v4.1: 2 of 1,614,194 alleles (0.00012%); highest among the groups gnomAD compares: Non-Finnish European, 0.00017%; no homozygotes.

Submissions (2):

Ambry Genetics
Classification: Uncertain significance for Hereditary cancer-predisposing syndrome. Last evaluated: 2026-07-06. Review status: criteria provided, single submitter. Criteria: Ambry Variant Classification Scheme 2023. Collection method: clinical testing. Allele origin: germline.
Comment: The p.L1591F variant (also known as c.4771C>T), located in coding exon 22 of the DICER1 gene, results from a C to T substitution at nucleotide position 4771. The leucine at codon 1591 is replaced by phenylalanine, an amino acid with highly similar properties. This amino acid position is conserved. In addition, the in silico prediction for this alteration is inconclusive. Based on the available evidence, the clinical significance of this variant remains unclear.

Labcorp Genetics (formerly Invitae), Labcorp
Classification: Uncertain significance for DICER1-related tumor predisposition. Last evaluated: 2021-11-02. Review status: criteria provided, single submitter. Criteria: Invitae Variant Classification Sherloc (09022015). Collection method: clinical testing. Allele origin: germline.
Comment: Algorithms developed to predict the effect of missense changes on protein structure and function are either unavailable or do not agree on the potential impact of this missense change (SIFT: "Deleterious"; PolyPhen-2: "Probably Damaging"; Align-GVGD: "Class C0"). This sequence change replaces leucine, which is neutral and non-polar, with phenylalanine, which is neutral and non-polar, at codon 1591 of the DICER1 protein (p.Leu1591Phe). This variant is present in population databases (no rsID available, gnomAD 0.0009%). This variant has not been reported in the literature in individuals affected with DICER1-related conditions. In summary, the available evidence is currently insufficient to determine the role of this variant in disease. Therefore, it has been classified as a Variant of Uncertain Significance.

NM_177438.3(DICER1):c.4771C>T (p.Leu1591Phe)

Gene: DICER1 (dicer 1, ribonuclease III; minus strand). Cytogenetic location: 14q32.13.
Variant type: single nucleotide variant.
Coding change: c.4771C>T on transcript NM_177438.3 (MANE Select); coding-DNA position 4771, C replaced by T.
Protein change: p.Leu1591Phe; replaces leucine 1591 with phenylalanine.
Molecular consequence: missense variant.
Genome position (GRCh38, 1-based): chr14:95,096,149, G>A on the plus strand (C>T on the coding strand, the complement: DICER1 is on the minus strand). VCF-style: chr14-95096149-G-A. GRCh37 (hg19) VCF-style: chr14-95562486-G-A.
Other names: c.4771C>T (NM_177438.2); c.4771C>T, p.Leu1591Phe (NM_001195573.1, NM_001271282.3, NM_001291628.2 and 1 more transcripts); short protein forms L1591F.
Identifiers: ClinVar variation 1501208 (VCV001501208.9), dbSNP rs1446931608, ClinGen allele CA390867230.
Genomic context (GRCh38, chr14:95,096,149, plus strand): 5'-TGAAATTCTCCCGAGTAGGGCACAGGGCCTTTTCCCGATCAGTCCTTTTAATTACCGGGA[G>A]CACCTTCAGCCCCAGTGAACAGAGGAAAAGCTGAGCAGCCCTCTCCCCACAGCTGGTTAA-3'
Protein context (NP_803187.1, residues 1581-1601): LFLCSLGLKV[Leu1591Phe]PVIKRTDREK